The following is an entry in ClinVar:

NM_001374736.1(DST):c.23195A>T (p.Asp7732Val)

Gene: DST (dystonin; minus strand). Cytogenetic location: 6p12.1.
Variant type: single nucleotide variant.
Coding change: c.23195A>T on transcript NM_001374736.1 (MANE Select); coding-DNA position 23195, A replaced by T.
Protein change: p.Asp7732Val; replaces aspartic acid 7732 with valine.
Molecular consequence: missense variant.
Genome position (GRCh38, 1-based): chr6:56,459,267, T>A on the plus strand (A>T on the coding strand, the complement: DST is on the minus strand). VCF-style: chr6-56459267-T-A. GRCh37 (hg19) VCF-style: chr6-56324065-T-A.
Other names: c.16766A>T, p.Asp5589Val (NM_001144769.5); c.16352A>T, p.Asp5451Val (NM_001144770.2); c.23123A>T, p.Asp7708Val (NM_001374722.1); c.22124A>T, p.Asp7375Val (NM_001374729.1); c.15866A>T, p.Asp5289Val (NM_001374730.1); c.23150A>T, p.Asp7717Val (NM_001374734.1); c.15254A>T, p.Asp5085Val (NM_015548.5); c.16232A>T, p.Asp5411Val (NM_183380.4); short protein forms D7717V, D5085V, D5411V, D5451V, D5589V, D7375V, D7732V, D5289V.
Identifiers: ClinVar variation 967054 (VCV000967054.8), dbSNP rs2094197198, ClinGen allele CA364503581.

ClinVar aggregate classification (germline): Uncertain significance (1 of 4 stars; one submission).

Conditions:
Hereditary sensory and autonomic neuropathy type 6. Also called: Neuropathy, hereditary sensory and autonomic, type VI; HSAN VI. Identifiers: Orphanet 314381, MedGen C3539003, MONDO:0013839, OMIM 614653.
Epidermolysis bullosa simplex 3, localized or generalized intermediate, with BP230 deficiency (EBS3). Also called: Epidermolysis bullosa simplex, autosomal recessive 2; Epidermolysis bullosa simplex due to BP230 deficiency. Identifiers: Orphanet 412181, MedGen C3809470, MONDO:0014180, OMIM 615425.

Submission:

Labcorp Genetics (formerly Invitae), Labcorp
Classification: Uncertain significance for Epidermolysis bullosa simplex 3, localized or generalized intermediate, with BP230 deficiency; Hereditary sensory and autonomic neuropathy type 6. Last evaluated: 2019-10-17. Review status: criteria provided, single submitter. Criteria: Invitae Variant Classification Sherloc (09022015). Collection method: clinical testing. Allele origin: germline.
Comment: This sequence change replaces aspartic acid with valine at codon 5085 of the DST protein (p.Asp5085Val). The aspartic acid residue is weakly conserved and there is a large physicochemical difference between aspartic acid and valine. The DST gene has multiple clinically relevant transcripts. The p.Asp5085Val variant occurs in alternate transcript NM_015548.4, which corresponds to c.*156250A>T in NM_001723.5, the primary transcript listed in the Methods. This variant is not present in population databases (ExAC no frequency). This variant has not been reported in the literature in individuals with DST-related conditions. Algorithms developed to predict the effect of missense changes on protein structure and function are either unavailable or do not agree on the potential impact of this missense change (SIFT: "Tolerated"; PolyPhen-2: "Not Available"; Align-GVGD: "Class C0"). In summary, the available evidence is currently insufficient to determine the role of this variant in disease. Therefore, it has been classified as a Variant of Uncertain Significance.